The following is an entry in ClinVar:

NM_152381.6(XIRP2):c.1011A>C (p.Ala337=)

Gene: XIRP2 (xin actin binding repeat containing 2; plus strand). Cytogenetic location: 2q24.3.
Variant type: single nucleotide variant.
Coding change: c.1011A>C on transcript NM_152381.6 (MANE Select); coding-DNA position 1011, A replaced by C.
Protein change: p.Ala337=; no amino-acid change (alanine 337 retained).
Molecular consequence: synonymous variant.
Genome position (GRCh38, 1-based): chr2:167,240,705, A>C. VCF-style: chr2-167240705-A-C. GRCh37 (hg19) VCF-style: chr2-168097215-A-C.
Other names: c.1011A>C, p.Ala337= (NM_001079810.4); c.1110A>C, p.Ala370= (NM_001199143.2); c.345A>C, p.Ala115= (NM_001199144.2, NM_001199145.2); c.1011A>C (NM_152381.5).
Identifiers: ClinVar variation 729115 (VCV000729115.7), dbSNP rs188701859, ClinGen allele CA1946351.
Genomic context (GRCh38, chr2:167,240,705, plus strand): 5'-AAATTCTCTTTAAATACAGGTCTCTCATCTTGAAAAGCACACCGAGGAAGTAAACCAAGC[A>C]TCTCAGTTTCATCAATATGTTCAAGAAACTGGTAAGAGTCTGGTATTATTGGTTCCAATA-3'
Protein context (NP_689594.4, residues 327-347): LEKHTEEVNQ[Ala337=]SQFHQYVQET

ClinVar aggregate classification (germline): Benign. Review status: criteria provided, multiple submitters, no conflicts (2 of 4 stars). 3 submissions from 3 submitters: Benign (2). 1 of the submissions does not count toward it. Last evaluated 2019-12-31.

Conditions:
XIRP2-related disorder. Also called: XIRP2-related condition.

Allele frequency attached by ClinVar (database versions not stated): gnomAD exomes 0.00032 and 0.00061; ExAC 0.00070; gnomAD 0.00252; ESP Exome Variant Server 0.00262; 1000 Genomes Project 30x 0.00281; 1000 Genomes Project 0.00300; TOPMed 0.00326.
gnomAD v4.1: 886 of 1,613,926 alleles (0.055%); highest among the groups gnomAD compares: African/African-American, 0.97%; 4 homozygotes.

Submissions (3):

Labcorp Genetics (formerly Invitae), Labcorp
Classification: Benign. Last evaluated: 2019-12-31. Review status: criteria provided, single submitter. Criteria: Invitae Variant Classification Sherloc (09022015). Collection method: clinical testing. Allele origin: germline.

Breakthrough Genomics
Classification: Benign. Review status: criteria provided, single submitter. Criteria: ACMG Guidelines, 2015. Collection method: not provided. Allele origin: germline. Inheritance: Unknown mechanism. Affected: yes.

PreventionGenetics, part of Exact Sciences
Classification: Benign for XIRP2-related condition. Last evaluated: 2019-10-28. Review status: no assertion criteria provided. Collection method: clinical testing. Allele origin: germline. Not counted in ClinVar's aggregate classification.
Comment: This variant is classified as benign based on ACMG/AMP sequence variant interpretation guidelines (Richards et al. 2015 PMID: 25741868, with internal and published modifications).